The following is an entry in ClinVar:

NM_002156.5(HSPD1):c.*18del

Gene: HSPD1 (heat shock protein family D (Hsp60) member 1; minus strand). Cytogenetic location: 2q33.1.
Variant type: Deletion.
Coding change: c.*18del on transcript NM_002156.5 (MANE Select); 18 bases downstream of the stop codon, one base deleted (T; older notation c.*18delT).
Molecular consequence: 3 prime UTR variant.
Genome position (GRCh38, 1-based): chr2:197,487,028, A deleted on the plus strand (T on the coding strand, the reverse complement: HSPD1 is on the minus strand); the first of 3 consecutive A bases (chr2:197,487,028-197,487,030); deleting any one gives the same sequence. VCF-style (leftmost placement, unchanged base first): chr2-197487027-TA-T. GRCh37 (hg19) VCF-style: chr2-198351751-TA-T.
Other names: c.*18del (NM_199440.2).
Identifiers: ClinVar variation 422847 (VCV000422847.1), dbSNP rs777031722, ClinGen allele CA16617408.
Genomic context (GRCh38, chr2:197,487,027, plus strand): 5'-TCTGAAGTTATTGGTGAGGAACACTGCCTTGGGCTTCCTGTCACAGTTCATTAATAAAGG[TA>T]AAGCACTAGTCTAGGAGTTAGAACATGCCACCTCCCATACCACCTCCCATTCCACCCATT-3'

ClinVar aggregate classification (germline): Likely benign (1 of 4 stars; one submission).

Submission:

GeneDx
Classification: Likely benign. Last evaluated: 2016-12-05. Review status: criteria provided, single submitter. Criteria: GeneDx Variant Classification (06012015). Collection method: clinical testing. Allele origin: germline. Affected: yes.
Comment: This variant is considered likely benign or benign based on one or more of the following criteria: it is a conservative change, it occurs at a poorly conserved position in the protein, it is predicted to be benign by multiple in silico algorithms, and/or has population frequency not consistent with disease.